The following is an entry in ClinVar:

ClinVar aggregate classification (germline): Uncertain significance (1 of 4 stars; one submission).

Submission:

Labcorp Genetics (formerly Invitae), Labcorp
Classification: Uncertain significance. Last evaluated: 2023-11-27. Review status: criteria provided, single submitter. Criteria: Invitae Variant Classification Sherloc (09022015). Collection method: clinical testing. Allele origin: germline.
Comment: This sequence change replaces isoleucine, which is neutral and non-polar, with methionine, which is neutral and non-polar, at codon 3317 of the VCAN protein (p.Ile3317Met). This variant is not present in population databases (gnomAD no frequency). This variant has not been reported in the literature in individuals affected with VCAN-related conditions. ClinVar contains an entry for this variant (Variation ID: 1395282). An algorithm developed to predict the effect of missense changes on protein structure and function (PolyPhen-2) suggests that this variant is likely to be disruptive. In summary, the available evidence is currently insufficient to determine the role of this variant in disease. Therefore, it has been classified as a Variant of Uncertain Significance.

NM_004385.5(VCAN):c.9951C>G (p.Ile3317Met)

Gene: VCAN (versican; plus strand). Cytogenetic location: 5q14.3.
Variant type: single nucleotide variant.
Coding change: c.9951C>G on transcript NM_004385.5 (MANE Select); coding-DNA position 9951, C replaced by G.
Protein change: p.Ile3317Met; replaces isoleucine 3317 with methionine.
Molecular consequence: missense variant.
Genome position (GRCh38, 1-based): chr5:83,580,050, C>G. VCF-style: chr5-83580050-C-G. GRCh37 (hg19) VCF-style: chr5-82875869-C-G.
Other names: c.1728C>G, p.Ile576Met (NM_001126336.3); c.6990C>G, p.Ile2330Met (NM_001164097.2); c.4689C>G, p.Ile1563Met (NM_001164098.2); short protein forms I2330M, I3317M, I1563M, I576M.
Identifiers: ClinVar variation 1395282 (VCV001395282.6), dbSNP rs2112510737, ClinGen allele CA360300942.